The following is an entry in ClinVar:

NM_001567.4(INPPL1):c.2879+3G>A

Gene: INPPL1 (inositol polyphosphate phosphatase like 1; plus strand). Cytogenetic location: 11q13.4.
Variant type: single nucleotide variant.
Coding change: c.2879+3G>A on transcript NM_001567.4 (MANE Select); 3 bases into the intron after coding-DNA position 2879, G replaced by A.
Molecular consequence: intron variant.
Genome position (GRCh38, 1-based): chr11:72,235,989, G>A. VCF-style: chr11-72235989-G-A. GRCh37 (hg19) VCF-style: chr11-71947033-G-A.
Identifiers: ClinVar variation 1969163 (VCV001969163.5), dbSNP rs2539239465, ClinGen allele CA2580084862.

ClinVar aggregate classification (germline): Uncertain significance (1 of 4 stars; one submission).

Submission:

Labcorp Genetics (formerly Invitae), Labcorp
Classification: Uncertain significance. Last evaluated: 2022-09-19. Review status: criteria provided, single submitter. Criteria: Invitae Variant Classification Sherloc (09022015). Collection method: clinical testing. Allele origin: germline.
Comment: In summary, the available evidence is currently insufficient to determine the role of this variant in disease. Therefore, it has been classified as a Variant of Uncertain Significance. Variants that disrupt the consensus splice site are a relatively common cause of aberrant splicing (PMID: 17576681, 9536098). Algorithms developed to predict the effect of sequence changes on RNA splicing suggest that this variant is not likely to affect RNA splicing. This variant has not been reported in the literature in individuals affected with INPPL1-related conditions. This variant is not present in population databases (gnomAD no frequency). This sequence change falls in intron 25 of the INPPL1 gene. It does not directly change the encoded amino acid sequence of the INPPL1 protein. It affects a nucleotide within the consensus splice site.

Literature cited by the submitters: PubMed 17576681; PubMed 9536098.